The following is an entry in ClinVar:

ClinVar aggregate classification (germline): Uncertain significance (1 of 4 stars; one submission).

Submission:

Labcorp Genetics (formerly Invitae), Labcorp
Classification: Uncertain significance. Last evaluated: 2025-12-13. Review status: criteria provided, single submitter. Criteria: Invitae Variant Classification Sherloc (09022015). Collection method: clinical testing. Allele origin: germline.
Comment: This sequence change replaces aspartic acid, which is acidic and polar, with histidine, which is basic and polar, at codon 1316 of the COL11A1 protein (p.Asp1316His). This variant is not present in population databases (gnomAD no frequency). This variant has not been reported in the literature in individuals affected with COL11A1-related conditions. Invitae Evidence Modeling of protein sequence and biophysical properties (such as structural, functional, and spatial information, amino acid conservation, physicochemical variation, residue mobility, and thermodynamic stability) indicates that this missense variant is not expected to disrupt COL11A1 protein function with a negative predictive value of 80%. In summary, the available evidence is currently insufficient to determine the role of this variant in disease. Therefore, it has been classified as a Variant of Uncertain Significance.

NM_001854.4(COL11A1):c.3946G>C (p.Asp1316His)

Gene: COL11A1 (collagen type XI alpha 1 chain; minus strand). Cytogenetic location: 1p21.1.
Variant type: single nucleotide variant.
Coding change: c.3946G>C on transcript NM_001854.4 (MANE Select); coding-DNA position 3946, G replaced by C.
Protein change: p.Asp1316His; replaces aspartic acid 1316 with histidine.
Molecular consequence: missense variant. On other transcripts: non-coding transcript variant (1).
Genome position (GRCh38, 1-based): chr1:102,914,384, C>G on the plus strand (G>C on the coding strand, the complement: COL11A1 is on the minus strand). VCF-style: chr1-102914384-C-G. GRCh37 (hg19) VCF-style: chr1-103379940-C-G.
Other names: c.3829G>C, p.Asp1277His (NM_001190709.2); c.3982G>C, p.Asp1328His (NM_080629.3); c.3598G>C, p.Asp1200His (NM_080630.4); short protein forms D1316H, D1328H, D1200H, D1277H.
Identifiers: ClinVar variation 4744651 (VCV004744651.1).
Genomic context (GRCh38, chr1:102,914,384, plus strand): 5'-AATTTCTTGATTTTTCCCTGATACTTACTGCAGGGCCAGGTTCCCCAGGAGGACCAGGAT[C>G]TCCAGGAAAACCAACAGGACCCTAGAATGACGTTTTGAAAGAAAAAGAAATAAATGAAAA-3'
Protein context (NP_001845.3, residues 1306-1326): GNPGPVGFPG[Asp1316His]PGPPGEPGPA